The following is an entry in ClinVar:

NM_001399.5(EDA):c.707-13T>G

Gene: EDA (ectodysplasin A; plus strand). Cytogenetic location: Xq13.1.
Variant type: single nucleotide variant.
Coding change: c.707-13T>G on transcript NM_001399.5 (MANE Select); 13 bases into the intron before coding-DNA position 707, T replaced by G.
Molecular consequence: intron variant.
Genome position (GRCh38, 1-based): chrX:70,029,491, T>G. VCF-style: chrX-70029491-T-G. GRCh37 (hg19) VCF-style: chrX-69249341-T-G.
Other names: c.707-13T>G (NM_001005609.2, NM_001005612.3, NM_001399.4).
Identifiers: ClinVar variation 1219848 (VCV001219848.13), dbSNP rs2147511678, ClinGen allele CA2499226814.

ClinVar aggregate classification (germline): Conflicting classifications of pathogenicity. Review status: criteria provided, conflicting classifications (1 of 4 stars). 4 submissions from 4 submitters: Pathogenic (2); Uncertain significance (1). 1 of the submissions does not count toward it. Last evaluated 2025-10-16.

Conditions:
EDA-related disorder. Also called: EDA-related disorders; EDA-related condition.
Hypohidrotic X-linked ectodermal dysplasia (XHED). Also called: ECTODERMAL DYSPLASIA, HYPOHIDROTIC, 1; CST SYNDROME; ECTODERMAL DYSPLASIA 1; Ectodermal Dysplasia 1, Anhidrotic; ECTODERMAL DYSPLASIA 1, HYPOHIDROTIC/HAIR/TOOTH TYPE, X-LINKED; Anhidrotic ectodermal dysplasia X-linked. Identifiers: Orphanet 181, Orphanet 238468, MedGen C0162359, MONDO:0010585, OMIM 305100.
Tooth agenesis, selective, X-linked, 1 (STHAGX1). Also called: HYPODONTIA/OLIGODONTIA, X-LINKED, 1. Identifiers: Orphanet 99798, MedGen C1970757, MONDO:0010741, OMIM 313500. Disease mechanism: loss of function.

Submissions (4):

Labcorp Genetics (formerly Invitae), Labcorp
Classification: Pathogenic for Hypohidrotic X-linked ectodermal dysplasia. Last evaluated: 2025-10-16. Review status: criteria provided, single submitter. Criteria: Invitae Variant Classification Sherloc (09022015). Collection method: clinical testing. Allele origin: germline.
Comment: This sequence change falls in intron 4 of the EDA gene. It does not directly change the encoded amino acid sequence of the EDA protein. This variant is not present in population databases (gnomAD no frequency). This variant has been observed in individual(s) with ectodermal dysplasia (PMID: 18386315, 27305980; external communication). In at least one individual the variant was observed to be de novo. This variant is also known as IVS5 acceptor 13 T>C. ClinVar contains an entry for this variant (Variation ID: 1219848). Algorithms developed to predict the effect of sequence changes on RNA splicing suggest that this variant may disrupt the consensus splice site. For these reasons, this variant has been classified as Pathogenic.

GeneDx
Classification: Pathogenic. Last evaluated: 2024-10-30. Review status: criteria provided, single submitter. Criteria: GeneDx Variant Classification Process June 2021. Collection method: clinical testing. Allele origin: germline. Affected: yes.
Comment: Not observed in large population cohorts (Lek et al., 2016); A different nucleotide change at the same position (c.707-13T>C) and splice variants involving the canonical splice acceptor site in this intron have been reported in HGMD in association with ectodermal dysplasia (Stenson et al., 2014); In-silico analysis, which includes splice predictors and evolutionary conservation, is inconclusive as to whether the variant alters gene splicing. In the absence of RNA/functional studies, the actual effect of this sequence change is unknown.; This variant is associated with the following publications: (PMID: 27305980)

Juno Genomics, Hangzhou Juno Genomics, Inc
Classification: Uncertain significance for Hypohidrotic X-linked ectodermal dysplasia; Tooth agenesis, selective, X-linked, 1. Review status: criteria provided, single submitter. Criteria: ACMG Guidelines, 2015. Collection method: clinical testing. Allele origin: germline. Affected: yes.
Comment: Absent from controls (or at extremely low frequency if recessive) in Genome Aggregation Database.;The prevalence of the variant in affected individuals is significantly increased compared to the prevalence in controls.;Patient's phenotype or family history is highly specific for a disease with a single genetic etiology.

PreventionGenetics, part of Exact Sciences
Classification: Likely pathogenic for EDA-related condition. Last evaluated: 2024-03-13. Review status: no assertion criteria provided. Collection method: clinical testing. Allele origin: germline. Not counted in ClinVar's aggregate classification.
Comment: The EDA c.707-13T>G variant is predicted to interfere with splicing. This variant has been previously reported in an individual from a cohort of patients with hypohydrotic ectodermal dysplasia (Wohlfart et al. 2016. PubMed ID: 27305980). This variant has not been reported in a large population database, indicating this variant is rare. This variant is interpreted as likely pathogenic.

Literature cited by the submitters: PubMed 18386315 (cited by Labcorp Genetics (formerly Invitae), Labcorp); PubMed 27305980 (cited by Labcorp Genetics (formerly Invitae), Labcorp).